The following is an entry in ClinVar:

NM_003002.4(SDHD):c.377C>G (p.Ala126Gly)

Gene: SDHD (succinate dehydrogenase complex subunit D; plus strand). Cytogenetic location: 11q23.1.
Variant type: single nucleotide variant.
Coding change: c.377C>G on transcript NM_003002.4 (MANE Select); coding-DNA position 377, C replaced by G.
Protein change: p.Ala126Gly; replaces alanine 126 with glycine.
Molecular consequence: missense variant. On other transcripts: 3 prime UTR variant (1), non-coding transcript variant (1).
Genome position (GRCh38, 1-based): chr11:112,094,867, C>G. VCF-style: chr11-112094867-C-G. GRCh37 (hg19) VCF-style: chr11-111965591-C-G.
Other names: c.377C>G (NM_003002.2); c.232C>G, p.Gln78Glu (NM_001276503.2); c.260C>G, p.Ala87Gly (NM_001276504.2); c.*75C>G (NM_001276506.2); short protein forms A126G, A87G, Q78E.
Identifiers: ClinVar variation 3762572 (VCV003762572.3).

ClinVar aggregate classification (germline): Uncertain significance. Review status: criteria provided, multiple submitters, no conflicts (2 of 4 stars). 2 submissions from 2 submitters: Uncertain significance (2). Last evaluated 2025-10-14.

Conditions:
Hereditary cancer-predisposing syndrome. Also called: Tumor predisposition; Hereditary Cancer Syndrome; Neoplastic Syndromes, Hereditary; Hereditary neoplastic syndrome. Identifiers: Orphanet 140162, MedGen C0027672, MeSH D009386, MONDO:0015356.
Pheochromocytoma. Also called: MAX-Related Hereditary Paraganglioma-Pheochromocytoma Syndrome. Identifiers: Orphanet 29072, MedGen C0031511, MONDO:0008233, OMIM 171300, HP:0002666.
Paragangliomas with sensorineural hearing loss. Identifiers: MedGen C1868633.
Carney-Stratakis syndrome. Also called: PARAGANGLIOMA AND GASTROINTESTINAL STROMAL TUMOR. Identifiers: Orphanet 97286, MedGen C1847319, MONDO:0011740, OMIM 606864.
Cowden syndrome 3 (CWS3). Identifiers: Orphanet 201, MedGen CN166604, MONDO:0014045.

Submissions (2):

Labcorp Genetics (formerly Invitae), Labcorp
Classification: Uncertain significance for Carney-Stratakis syndrome; Paragangliomas with sensorineural hearing loss; Pheochromocytoma; Cowden syndrome 3. Last evaluated: 2025-10-14. Review status: criteria provided, single submitter. Criteria: Invitae Variant Classification Sherloc (09022015). Collection method: clinical testing. Allele origin: germline.
Comment: This sequence change replaces alanine, which is neutral and non-polar, with glycine, which is neutral and non-polar, at codon 126 of the SDHD protein (p.Ala126Gly). This variant is not present in population databases (gnomAD no frequency). This variant has not been reported in the literature in individuals affected with SDHD-related conditions. ClinVar contains an entry for this variant (Variation ID: 3762572). Invitae Evidence Modeling of protein sequence and biophysical properties (such as structural, functional, and spatial information, amino acid conservation, physicochemical variation, residue mobility, and thermodynamic stability) indicates that this missense variant is not expected to disrupt SDHD protein function with a negative predictive value of 80%. In summary, the available evidence is currently insufficient to determine the role of this variant in disease. Therefore, it has been classified as a Variant of Uncertain Significance.

Ambry Genetics
Classification: Uncertain significance for Hereditary cancer-predisposing syndrome. Last evaluated: 2025-03-10. Review status: criteria provided, single submitter. Criteria: Ambry Variant Classification Scheme 2023. Collection method: clinical testing. Allele origin: germline.
Comment: The p.A126G variant (also known as c.377C>G), located in coding exon 4 of the SDHD gene, results from a C to G substitution at nucleotide position 377. The alanine at codon 126 is replaced by glycine, an amino acid with similar properties. This amino acid position is conserved. In addition, the in silico prediction for this alteration is inconclusive. Based on the available evidence, the clinical significance of this variant remains unclear.